The following is an entry in ClinVar:

NM_001365276.2(TNXB):c.9021G>A (p.Val3007=)

Gene: TNXB (tenascin XB; minus strand). Cytogenetic location: 6p21.33.
Variant type: single nucleotide variant.
Coding change: c.9021G>A on transcript NM_001365276.2 (MANE Select); coding-DNA position 9021, G replaced by A.
Protein change: p.Val3007=; no amino-acid change (valine 3007 retained).
Molecular consequence: synonymous variant.
Genome position (GRCh38, 1-based): chr6:32,052,764, C>T on the plus strand (G>A on the coding strand, the complement: TNXB is on the minus strand). VCF-style: chr6-32052764-C-T. GRCh37 (hg19) VCF-style: chr6-32020541-C-T.
Other names: p.Val3005=; c.9762G>A, p.Val3254= (NM_001428335.1); c.9015G>A, p.Val3005= (NM_019105.8).
Identifiers: ClinVar variation 4684955 (VCV004684955.1).

ClinVar aggregate classification (germline): Likely benign (1 of 4 stars; one submission).

gnomAD v4.1: 8 of 1,613,756 alleles (0.0005%); highest among the groups gnomAD compares: East Asian, 0.0022%; no homozygotes.

Submission:

Mayo Clinic Laboratories, Mayo Clinic
Classification: Likely benign. Last evaluated: 2025-02-11. Review status: criteria provided, single submitter. Criteria: ACMG Guidelines, 2015. Collection method: clinical testing. Allele origin: germline. Observed: 1 variant allele.
Comment: BP4, BP7